The following is an entry in ClinVar:

ClinVar aggregate classification (germline): Uncertain significance (1 of 4 stars; one submission).

Submission:

GeneDx
Classification: Uncertain significance. Last evaluated: 2025-07-17. Review status: criteria provided, single submitter. Criteria: GeneDx Variant Classification Process June 2021. Collection method: clinical testing. Allele origin: germline. Affected: yes.
Comment: Not observed at significant frequency in large population cohorts (gnomAD); In silico analysis supports that this missense variant has a deleterious effect on protein structure/function; Has not been previously published as pathogenic or benign to our knowledge

NM_005573.4(LMNB1):c.1445A>G (p.Tyr482Cys)

Gene: LMNB1 (lamin B1; plus strand). Cytogenetic location: 5q23.2.
Variant type: single nucleotide variant.
Coding change: c.1445A>G on transcript NM_005573.4 (MANE Select); coding-DNA position 1445, A replaced by G.
Protein change: p.Tyr482Cys; replaces tyrosine 482 with cysteine.
Molecular consequence: missense variant. On other transcripts: non-coding transcript variant (2).
Genome position (GRCh38, 1-based): chr5:126,822,839, A>G. VCF-style: chr5-126822839-A-G. GRCh37 (hg19) VCF-style: chr5-126158531-A-G.
Other names: c.815A>G, p.Tyr272Cys (NM_001198557.2); short protein forms Y272C, Y482C.
Identifiers: ClinVar variation 4686458 (VCV004686458.1).